The following is an entry in ClinVar:

NC_000017.10:g.(?_29585352)_(29670163_?)del

Genes: EVI2A (ecotropic viral integration site 2A; minus strand), EVI2B (ecotropic viral integration site 2B; minus strand), NF1 (neurofibromin 1; plus strand), OMG (oligodendrocyte myelin glycoprotein; minus strand). Cytogenetic location: 17q11.2.
Variant type: Deletion.
Identifiers: ClinVar variation 2422723 (VCV002422723.4).

ClinVar aggregate classification (germline): Pathogenic (1 of 4 stars; one submission).

Conditions:
Neurofibromatosis, type 1 (NF1). Also called: Peripheral type neurofibromatosis; VON RECKLINGHAUSEN DISEASE; NEUROFIBROMATOSIS, TYPE I, SOMATIC; Neurofibromatosis, type I. Identifiers: Orphanet 636, MedGen C0027831, MONDO:0018975, OMIM 162200. Disease mechanism: loss of function.

Submission:

Labcorp Genetics (formerly Invitae), Labcorp
Classification: Pathogenic for Neurofibromatosis, type 1. Last evaluated: 2021-11-08. Review status: criteria provided, single submitter. Criteria: Invitae Variant Classification Sherloc (09022015). Collection method: clinical testing. Allele origin: germline.
Comment: For these reasons, this variant has been classified as Pathogenic. This variant has not been reported in the literature in individuals affected with NF1-related conditions. This variant is a gross deletion of the genomic region encompassing exon(s) 31-47 of the NF1 gene. This deletion is out-of-frame, and is expected to create a premature termination codon and result in an absent or disrupted protein product. Loss-of-function variants in NF1 are known to be pathogenic (PMID: 10712197, 23913538).

Literature cited by the submitters: PubMed 10712197; PubMed 23913538.